The following is an entry in ClinVar:

NM_182920.2(ADAMTS9):c.5396A>G (p.Asn1799Ser)

Genes: ADAMTS9 (ADAM metallopeptidase with thrombospondin type 1 motif 9; minus strand), LOC126806704 (BRD4-independent group 4 enhancer GRCh37_chr3:64526487-64527686; plus strand). Cytogenetic location: 3p14.1.
Variant type: single nucleotide variant.
Coding change: c.5396A>G on transcript NM_182920.2 (MANE Select); coding-DNA position 5396, A replaced by G.
Protein change: p.Asn1799Ser; replaces asparagine 1799 with serine.
Molecular consequence: missense variant.
Genome position (GRCh38, 1-based): chr3:64,541,220, T>C on the plus strand (A>G on the coding strand, the complement: ADAMTS9 is on the minus strand). VCF-style: chr3-64541220-T-C. GRCh37 (hg19) VCF-style: chr3-64526896-T-C.
Other names: c.5396A>G (NM_182920.1); c.5312A>G, p.Asn1771Ser (NM_001318781.2); short protein forms N1771S, N1799S.
Identifiers: ClinVar variation 2242855 (VCV002242855.9), dbSNP rs574455865, ClinGen allele CA2480144.
Genomic context (GRCh38, chr3:64,541,220, plus strand): 5'-TAATCCTTCCGACATTGGCAGTCATCGCGCCGGCTCCCGTTATAGGGACATTCTGTTGGG[T>C]TGTGTAACCTAAATTATACAGAGAATGTTCTGGTAAGGATGGGAAAGCATTTCCAGGGAT-3'
Protein context (NP_891550.1, residues 1789-1809): FSEVYGHRLH[Asn1799Ser]PTECPYNGSR

ClinVar aggregate classification (germline): Uncertain significance. Review status: criteria provided, multiple submitters, no conflicts (2 of 4 stars). 2 submissions from 2 submitters: Uncertain significance (2). Last evaluated 2025-02-24.

Allele frequency attached by ClinVar (database versions not stated): gnomAD 0.00001; TOPMed 0.00001; gnomAD exomes 0.00004; ExAC 0.00012; 1000 Genomes Project 30x 0.00031; 1000 Genomes Project 0.00040.
gnomAD v4.1: 59 of 1,614,196 alleles (0.0037%); highest among the groups gnomAD compares: South Asian, 0.056%; no homozygotes.

Submissions (2):

Labcorp Genetics (formerly Invitae), Labcorp
Classification: Uncertain significance. Last evaluated: 2025-02-24. Review status: criteria provided, single submitter. Criteria: Invitae Variant Classification Sherloc (09022015). Collection method: clinical testing. Allele origin: germline.
Comment: This sequence change replaces asparagine, which is neutral and polar, with serine, which is neutral and polar, at codon 1799 of the ADAMTS9 protein (p.Asn1799Ser). This variant is present in population databases (rs574455865, gnomAD 0.06%). This variant has not been reported in the literature in individuals affected with ADAMTS9-related conditions. ClinVar contains an entry for this variant (Variation ID: 2242855). An algorithm developed to predict the effect of missense changes on protein structure and function (PolyPhen-2) suggests that this variant is likely to be disruptive. In summary, the available evidence is currently insufficient to determine the role of this variant in disease. Therefore, it has been classified as a Variant of Uncertain Significance.

Ambry Genetics
Classification: Uncertain significance. Last evaluated: 2021-08-10. Review status: criteria provided, single submitter. Criteria: Ambry Variant Classification Scheme 2023. Collection method: clinical testing. Allele origin: germline.